The following is an entry in ClinVar:

NM_015884.4(MBTPS2):c.390_392del (p.Ser136del)

Gene: MBTPS2 (membrane bound transcription factor peptidase, site 2; plus strand). Cytogenetic location: Xp22.12.
Variant type: Deletion.
Coding change: c.390_392del on transcript NM_015884.4 (MANE Select); coding-DNA positions 390 to 392, 3 bases deleted (ATC; older notation c.390_392delATC).
Protein change: p.Ser136del; deletes serine 136.
Molecular consequence: inframe deletion.
Genome position (GRCh38, 1-based): chrX:21,845,336-21,845,338, ATC deleted; deleting any 3 consecutive bases within chrX:21,845,334-21,845,338 gives the same sequence; the c. name uses the placement nearest the transcript's 3' end. VCF-style (leftmost placement, unchanged base first): chrX-21845333-TTCA-T. GRCh37 (hg19) VCF-style: chrX-21863451-TTCA-T.
Other names: short protein forms S136del.
Identifiers: ClinVar variation 2893519 (VCV002893519.3), dbSNP rs779572550, ClinGen allele CA10367346.

ClinVar aggregate classification (germline): Uncertain significance (1 of 4 stars; one submission).

Submission:

Labcorp Genetics (formerly Invitae), Labcorp
Classification: Uncertain significance. Last evaluated: 2025-12-08. Review status: criteria provided, single submitter. Criteria: Invitae Variant Classification Sherloc (09022015). Collection method: clinical testing. Allele origin: germline.
Comment: This variant, c.390_392del, results in the deletion of 1 amino acid(s) of the MBTPS2 protein (p.Ser136del), but otherwise preserves the integrity of the reading frame. The frequency data for this variant in the population databases is considered unreliable, as metrics indicate poor data quality at this position in the gnomAD database. This variant has not been reported in the literature in individuals affected with MBTPS2-related conditions. ClinVar contains an entry for this variant (Variation ID: 2893519). Experimental studies and prediction algorithms are not available or were not evaluated, and the functional significance of this variant is currently unknown. In summary, the available evidence is currently insufficient to determine the role of this variant in disease. Therefore, it has been classified as a Variant of Uncertain Significance.